The following is an entry in ClinVar:

ClinVar aggregate classification (germline): Uncertain significance (1 of 4 stars; one submission).

Conditions:
Inborn genetic diseases. Identifiers: MedGen C0950123, MeSH D030342.

gnomAD v4.1: 3 of 1,614,174 alleles (0.00019%); highest among the groups gnomAD compares: South Asian, 0.0033%; no homozygotes.

Submission:

Ambry Genetics
Classification: Uncertain significance for Inborn genetic diseases. Last evaluated: 2026-07-06. Review status: criteria provided, single submitter. Criteria: Ambry Variant Classification Scheme 2023. Collection method: clinical testing. Allele origin: germline.
Comment: The p.A194V variant (also known as c.581C>T), located in coding exon 2 of the GATA2 gene, results from a C to T substitution at nucleotide position 581. The alanine at codon 194 is replaced by valine, an amino acid with similar properties. This amino acid position is conserved. In addition, the in silico prediction for this alteration is inconclusive. Based on the available evidence, the clinical significance of this variant remains unclear.

NM_032638.5(GATA2):c.581C>T (p.Ala194Val)

Gene: GATA2 (GATA binding protein 2; minus strand). Cytogenetic location: 3q21.3.
Variant type: single nucleotide variant.
Coding change: c.581C>T on transcript NM_032638.5 (MANE Select); coding-DNA position 581, C replaced by T.
Protein change: p.Ala194Val; replaces alanine 194 with valine.
Molecular consequence: missense variant.
Genome position (GRCh38, 1-based): chr3:128,486,017, G>A on the plus strand (C>T on the coding strand, the complement: GATA2 is on the minus strand). VCF-style: chr3-128486017-G-A. GRCh37 (hg19) VCF-style: chr3-128204860-G-A.
Other names: c.581C>T, p.Ala194Val (NM_001145661.2, NM_001145662.1); short protein forms A194V.
Identifiers: ClinVar variation 5022201 (VCV005022201.1).